The following is an entry in ClinVar:

NM_001792.5(CDH2):c.844C>T (p.Pro282Ser)

Gene: CDH2 (cadherin 2; minus strand). Cytogenetic location: 18q12.1.
Variant type: single nucleotide variant.
Coding change: c.844C>T on transcript NM_001792.5 (MANE Select); coding-DNA position 844, C replaced by T.
Protein change: p.Pro282Ser; replaces proline 282 with serine.
Molecular consequence: missense variant.
Genome position (GRCh38, 1-based): chr18:28,005,852, G>A on the plus strand (C>T on the coding strand, the complement: CDH2 is on the minus strand). VCF-style: chr18-28005852-G-A. GRCh37 (hg19) VCF-style: chr18-25585816-G-A.
Other names: c.751C>T, p.Pro251Ser (NM_001308176.2); short protein forms P282S, P251S.
Identifiers: ClinVar variation 2091665 (VCV002091665.4), dbSNP rs2510810823, ClinGen allele CA402243047.

ClinVar aggregate classification (germline): Uncertain significance (1 of 4 stars; one submission).

Submission:

Labcorp Genetics (formerly Invitae), Labcorp
Classification: Uncertain significance. Last evaluated: 2022-02-01. Review status: criteria provided, single submitter. Criteria: Invitae Variant Classification Sherloc (09022015). Collection method: clinical testing. Allele origin: germline.
Comment: In summary, the available evidence is currently insufficient to determine the role of this variant in disease. Therefore, it has been classified as a Variant of Uncertain Significance. Algorithms developed to predict the effect of missense changes on protein structure and function are either unavailable or do not agree on the potential impact of this missense change (SIFT: "Deleterious"; PolyPhen-2: "Possibly Damaging"; Align-GVGD: "Class C0"). This variant has not been reported in the literature in individuals affected with CDH2-related conditions. This variant is not present in population databases (gnomAD no frequency). This sequence change replaces proline, which is neutral and non-polar, with serine, which is neutral and polar, at codon 282 of the CDH2 protein (p.Pro282Ser).